The following is an entry in ClinVar:

ClinVar aggregate classification (germline): Uncertain significance. Review status: criteria provided, multiple submitters, no conflicts (2 of 4 stars). 3 submissions from 3 submitters: Uncertain significance (3). Last evaluated 2025-07-31.

Conditions:
ATP1A1-related disorder. Also called: ATP1A1-related condition.

Submissions (3):

PreventionGenetics, part of Exact Sciences
Classification: Uncertain significance for ATP1A1-related condition. Last evaluated: 2025-07-31. Review status: criteria provided, single submitter. Criteria: ACMG Guidelines, 2015. Collection method: clinical testing. Allele origin: germline.
Comment: The ATP1A1 c.1889G>C variant is predicted to result in the amino acid substitution p.Gly630Ala. To our knowledge, this variant has not been reported in the literature or in a large population database (gnomAD), indicating this variant is rare. At this time, the clinical significance of this variant is uncertain due to the absence of conclusive functional and genetic evidence.

GeneDx
Classification: Uncertain significance. Last evaluated: 2025-05-28. Review status: criteria provided, single submitter. Criteria: GeneDx Variant Classification Process June 2021. Collection method: clinical testing. Allele origin: germline. Affected: yes.
Comment: Not observed at significant frequency in large population cohorts (gnomAD); In silico analysis suggests that this missense variant does not alter protein structure/function; Has not been previously published as pathogenic or benign to our knowledge

Labcorp Genetics (formerly Invitae), Labcorp
Classification: Uncertain significance. Last evaluated: 2024-08-12. Review status: criteria provided, single submitter. Criteria: Invitae Variant Classification Sherloc (09022015). Collection method: clinical testing. Allele origin: germline.
Comment: This sequence change replaces glycine, which is neutral and non-polar, with alanine, which is neutral and non-polar, at codon 630 of the ATP1A1 protein (p.Gly630Ala). This variant is not present in population databases (gnomAD no frequency). This variant has not been reported in the literature in individuals affected with ATP1A1-related conditions. Advanced modeling of protein sequence and biophysical properties (such as structural, functional, and spatial information, amino acid conservation, physicochemical variation, residue mobility, and thermodynamic stability) performed at Invitae indicates that this missense variant is not expected to disrupt ATP1A1 protein function with a negative predictive value of 80%. In summary, the available evidence is currently insufficient to determine the role of this variant in disease. Therefore, it has been classified as a Variant of Uncertain Significance.

NM_000701.8(ATP1A1):c.1889G>C (p.Gly630Ala)

Genes: ATP1A1 (ATPase Na+/K+ transporting subunit alpha 1; plus strand), ATP1A1-AS1 (ATP1A1 antisense RNA 1; minus strand). Cytogenetic location: 1p13.1.
Variant type: single nucleotide variant.
Coding change: c.1889G>C on transcript NM_000701.8 (MANE Select); coding-DNA position 1889, G replaced by C.
Protein change: p.Gly630Ala; replaces glycine 630 with alanine.
Molecular consequence: missense variant.
Genome position (GRCh38, 1-based): chr1:116,396,650, G>C. VCF-style: chr1-116396650-G-C. GRCh37 (hg19) VCF-style: chr1-116939272-G-C.
Other names: c.1889G>C (NM_000701.7); c.1889G>C, p.Gly630Ala (NM_001160233.2); c.1796G>C, p.Gly599Ala (NM_001160234.2); short protein forms G599A, G630A.
Identifiers: ClinVar variation 2762749 (VCV002762749.5), dbSNP rs2525868882, ClinGen allele CA341772133.